The following is an entry in ClinVar:

NM_004655.4(AXIN2):c.81A>G (p.Pro27=)

Gene: AXIN2 (axin 2; minus strand). Cytogenetic location: 17q24.1.
Variant type: single nucleotide variant.
Coding change: c.81A>G on transcript NM_004655.4 (MANE Select); coding-DNA position 81, A replaced by G.
Protein change: p.Pro27=; no amino-acid change (proline 27 retained).
Molecular consequence: synonymous variant.
Genome position (GRCh38, 1-based): chr17:65,558,540, T>C on the plus strand (A>G on the coding strand, the complement: AXIN2 is on the minus strand). VCF-style: chr17-65558540-T-C. GRCh37 (hg19) VCF-style: chr17-63554658-T-C.
Other names: c.81A>G, p.Pro27= (NM_001363813.1).
Identifiers: ClinVar variation 2988595 (VCV002988595.4), dbSNP rs2544255558, ClinGen allele CA501691639.
Genomic context (GRCh38, chr17:65,558,540, plus strand): 5'-TTTGGTGACCTGGCCCTTGCCCACCCCTGGCTGACACGGTGGGGTCTCCCCTTCTTCCCC[T>C]GGCACTGGGGGCCGCGGGGCATCCTCACGGAAGCTGCTGCTGGGGTCCGGGAGGCAAGTC-3'
Protein context (NP_004646.3, residues 17-37): FREDAPRPPV[Pro27=]GEEGETPPCQ

ClinVar aggregate classification (germline): Benign/Likely benign. Review status: criteria provided, multiple submitters, no conflicts (2 of 4 stars). 2 submissions from 2 submitters: Benign (1); Likely benign (1). Last evaluated 2025-04-10.

Conditions:
Oligodontia-cancer predisposition syndrome. Also called: TOOTH AGENESIS-COLORECTAL CANCER SYNDROME. Identifiers: Orphanet 300576, MedGen C1837750, MONDO:0012075, OMIM 608615. Disease mechanism: loss of function.

Submissions (2):

Labcorp Genetics (formerly Invitae), Labcorp
Classification: Likely benign for Oligodontia-cancer predisposition syndrome. Last evaluated: 2025-04-10. Review status: criteria provided, single submitter. Criteria: Invitae Variant Classification Sherloc (09022015). Collection method: clinical testing. Allele origin: germline.

Myriad Genetics, Inc.
Classification: Benign for Oligodontia-cancer predisposition syndrome. Last evaluated: 2024-06-25. Review status: criteria provided, single submitter. Criteria: Myriad Autosomal Dominant, Autosomal Recessive and X-Linked Classification Criteria (2023). Collection method: clinical testing. Allele origin: unknown.
Comment: This variant is considered benign. This variant is a silent/synonymous amino acid change and it is not expected to impact splicing.